The following is an entry in ClinVar:

ClinVar aggregate classification (germline): Uncertain significance (1 of 4 stars; one submission).

Allele frequency attached by ClinVar (database versions not stated): gnomAD exomes below 0.00001.
gnomAD v4.1: 2 of 1,605,298 alleles (0.00012%); highest among the groups gnomAD compares: Non-Finnish European, 0.00017%; no homozygotes.

Submission:

Labcorp Genetics (formerly Invitae), Labcorp
Classification: Uncertain significance. Last evaluated: 2021-04-04. Review status: criteria provided, single submitter. Criteria: Invitae Variant Classification Sherloc (09022015). Collection method: clinical testing. Allele origin: germline.
Comment: In summary, the available evidence is currently insufficient to determine the role of this variant in disease. Therefore, it has been classified as a Variant of Uncertain Significance. Algorithms developed to predict the effect of missense changes on protein structure and function are either unavailable or do not agree on the potential impact of this missense change (SIFT: "Not Available"; PolyPhen-2: "Possibly Damaging"; Align-GVGD: "Not Available"). This variant has not been reported in the literature in individuals with MYO18B-related conditions. This variant is not present in population databases (ExAC no frequency). This sequence change replaces isoleucine with asparagine at codon 731 of the MYO18B protein (p.Ile731Asn). The isoleucine residue is weakly conserved and there is a large physicochemical difference between isoleucine and asparagine.

NM_032608.7(MYO18B):c.2192T>A (p.Ile731Asn)

Gene: MYO18B (myosin XVIIIB; plus strand). Cytogenetic location: 22q12.1.
Variant type: single nucleotide variant.
Coding change: c.2192T>A on transcript NM_032608.7 (MANE Select); coding-DNA position 2192, T replaced by A.
Protein change: p.Ile731Asn; replaces isoleucine 731 with asparagine.
Molecular consequence: missense variant.
Genome position (GRCh38, 1-based): chr22:25,780,179, T>A. VCF-style: chr22-25780179-T-A. GRCh37 (hg19) VCF-style: chr22-26176146-T-A.
Other names: c.2192T>A, p.Ile731Asn (NM_001318245.2); short protein forms I731N.
Identifiers: ClinVar variation 1384706 (VCV001384706.6), dbSNP rs1171952306, ClinGen allele CA410993869.